The following is an entry in ClinVar:

ClinVar aggregate classification (germline): Conflicting classifications of pathogenicity. Review status: criteria provided, conflicting classifications (1 of 4 stars). 7 submissions from 7 submitters: Uncertain significance (3); Benign (1); Likely benign (2). 1 of the submissions does not count toward it. Last evaluated 2026-02-01.

Conditions:
Inborn genetic diseases. Identifiers: MedGen C0950123, MeSH D030342.
Donnai-Barrow syndrome. Also called: DBS/FOAR SYNDROME; FACIOOCULOACOUSTICORENAL SYNDROME. Identifiers: Orphanet 2143, MedGen C1857277, MONDO:0009104, OMIM 222448.
LRP2-related disorder. Also called: LRP2-related condition.

Allele frequency attached by ClinVar (database versions not stated): gnomAD exomes 0.00014 and 0.00029; ExAC 0.00039; 1000 Genomes Project 0.00060; 1000 Genomes Project 30x 0.00062; gnomAD 0.00139 and 0.00152; ESP Exome Variant Server 0.00161; TOPMed 0.00167.
gnomAD v4.1: 423 of 1,614,026 alleles (0.026%); highest among the groups gnomAD compares: African/African-American, 0.47%; no homozygotes.

Submissions (7):

Labcorp Genetics (formerly Invitae), Labcorp
Classification: Likely benign. Last evaluated: 2026-02-01. Review status: criteria provided, single submitter. Criteria: Invitae Variant Classification Sherloc (09022015). Collection method: clinical testing. Allele origin: germline.

GeneDx
Classification: Uncertain significance. Last evaluated: 2025-10-16. Review status: criteria provided, single submitter. Criteria: GeneDx Variant Classification Process June 2021. Collection method: clinical testing. Allele origin: germline.
Comment: In silico analysis suggests that this missense variant does not alter protein structure/function; Has not been previously published in association with an LRP2-related disorder to our knowledge; This variant is associated with the following publications: (PMID: 35132093)

Blueprint Genetics
Classification: Benign. Last evaluated: 2024-05-10. Review status: criteria provided, single submitter. Criteria: ACMG Guidelines, 2015. Collection method: clinical testing. Allele origin: germline.

Ambry Genetics
Classification: Likely benign for Inborn genetic diseases. Last evaluated: 2021-08-09. Review status: criteria provided, single submitter. Criteria: Ambry Variant Classification Scheme 2023. Collection method: clinical testing. Allele origin: germline.

Genome-Nilou Lab
Classification: Uncertain significance for Donnai-Barrow syndrome. Last evaluated: 2021-07-15. Review status: criteria provided, single submitter. Criteria: ACMG Guidelines, 2015. Collection method: clinical testing. Allele origin: germline. Affected: no.

Eurofins Ntd Llc (ga)
Classification: Uncertain significance. Last evaluated: 2018-03-05. Review status: criteria provided, single submitter. Criteria: EGL ClinVar v180209 classification definitions. Collection method: clinical testing. Allele origin: germline. Observed: 1 variant allele, 1 heterozygote.

PreventionGenetics, part of Exact Sciences
Classification: Likely benign for LRP2-related condition. Last evaluated: 2022-08-02. Review status: no assertion criteria provided. Collection method: clinical testing. Allele origin: germline. Not counted in ClinVar's aggregate classification.
Comment: This variant is classified as likely benign based on ACMG/AMP sequence variant interpretation guidelines (Richards et al. 2015 PMID: 25741868, with internal and published modifications).

NM_004525.3(LRP2):c.9477G>A (p.Met3159Ile)

Gene: LRP2 (LDL receptor related protein 2; minus strand). Cytogenetic location: 2q31.1.
Variant type: single nucleotide variant.
Coding change: c.9477G>A on transcript NM_004525.3 (MANE Select); coding-DNA position 9477, G replaced by A.
Protein change: p.Met3159Ile; replaces methionine 3159 with isoleucine.
Molecular consequence: missense variant.
Genome position (GRCh38, 1-based): chr2:169,185,871, C>T on the plus strand (G>A on the coding strand, the complement: LRP2 is on the minus strand). VCF-style: chr2-169185871-C-T. GRCh37 (hg19) VCF-style: chr2-170042381-C-T.
Other names: short protein forms M3159I.
Identifiers: ClinVar variation 596436 (VCV000596436.23), dbSNP rs144322413, ClinGen allele CA1953565.